The following is an entry in ClinVar:

ClinVar aggregate classification (germline): Uncertain significance (1 of 4 stars; one submission).

Conditions:
PLXNA3-related disorder. Also called: PLXNA3-related condition.

gnomAD v4.1: 1 of 1,203,714 alleles (0.000083%); no homozygotes.

Submission:

PreventionGenetics, part of Exact Sciences
Classification: Uncertain significance for PLXNA3-related condition. Last evaluated: 2026-06-15. Review status: criteria provided, single submitter. Criteria: ACMG Guidelines, 2015. Collection method: clinical testing. Allele origin: germline.
Comment: The PLXNA3 c.3970C>T variant is predicted to result in the amino acid substitution p.Pro1324Ser. To our knowledge, this variant has not been reported in the literature. This variant is reported in 0.0013% of alleles in individuals of European (Non-Finnish) descent in gnomAD. At this time, the clinical significance of this variant is uncertain due to the absence of conclusive functional and genetic evidence.

NM_017514.5(PLXNA3):c.3970C>T (p.Pro1324Ser)

Gene: PLXNA3 (plexin A3; plus strand). Cytogenetic location: Xq28.
Variant type: single nucleotide variant.
Coding change: c.3970C>T on transcript NM_017514.5 (MANE Select); coding-DNA position 3970, C replaced by T.
Protein change: p.Pro1324Ser; replaces proline 1324 with serine.
Molecular consequence: missense variant.
Genome position (GRCh38, 1-based): chrX:154,468,309, C>T. VCF-style: chrX-154468309-C-T. GRCh37 (hg19) VCF-style: chrX-153696652-C-T.
Other names: short protein forms P1324S.
Identifiers: ClinVar variation 4991161 (VCV004991161.1).